The following is an entry in ClinVar:

ClinVar aggregate classification (germline): Uncertain significance (1 of 4 stars; one submission).

Submission:

GeneDx
Classification: Uncertain significance. Last evaluated: 2021-12-29. Review status: criteria provided, single submitter. Criteria: GeneDx Variant Classification Process June 2021. Collection method: clinical testing. Allele origin: germline. Affected: yes.
Comment: Not observed at significant frequency in large population cohorts (gnomAD); In-frame insertion of 2 amino acids in a non-repeat region; Has not been previously published as pathogenic or benign to our knowledge

NM_001009944.3(PKD1):c.11341_11346dup (p.Asp3782_Val3783insTyrAsp)

Genes: PKD1 (polycystin 1, transient receptor potential channel interacting; minus strand), PKD1-AS1 (PKD1 antisense RNA 1; plus strand). Cytogenetic location: 16p13.3.
Variant type: Duplication.
Coding change: c.11341_11346dup on transcript NM_001009944.3 (MANE Select); coding-DNA positions 11341 to 11346, 6 bases duplicated (TACGAC; older notation c.11341_11346dupTACGAC).
Protein change: p.Asp3782_Val3783insTyrAsp.
Molecular consequence: inframe insertion.
Genome position (GRCh38, 1-based): chr16:2,092,112-2,092,117, GTCGTA duplicated on the plus strand (TACGAC on the coding strand, the reverse complement: PKD1 is on the minus strand). VCF-style (leftmost placement, unchanged base first): chr16-2092111-C-CGTCGTA. GRCh37 (hg19) VCF-style: chr16-2142112-C-CGTCGTA.
Other names: c.11338_11343dup, p.Asp3781_Val3782insTyrAsp (NM_000296.4).
Identifiers: ClinVar variation 1693375 (VCV001693375.2), dbSNP rs2151699578, ClinGen allele CA2580091200.